The following is an entry in ClinVar:

ClinVar aggregate classification (germline): Uncertain significance. Review status: criteria provided, multiple submitters, no conflicts (2 of 4 stars). 2 submissions from 2 submitters: Uncertain significance (2). Last evaluated 2025-11-18.

Conditions:
Hereditary cancer-predisposing syndrome. Also called: Tumor predisposition; Hereditary Cancer Syndrome; Neoplastic Syndromes, Hereditary; Hereditary neoplastic syndrome. Identifiers: Orphanet 140162, MedGen C0027672, MeSH D009386, MONDO:0015356.
Melanoma, cutaneous malignant, susceptibility to, 8. Also called: MELANOMA AND RENAL CELL CARCINOMA, SUSCEPTIBILITY TO; Cutaneous malignant melanoma 8. Identifiers: Orphanet 293822, MedGen C3152204, MONDO:0013759, OMIM 614456.
Tietz syndrome (TADS). Also called: ALBINISM-DEAFNESS OF TIETZ; HYPOPIGMENTATION/DEAFNESS OF TIETZ; TIETZ ALBINISM-DEAFNESS SYNDROME. Identifiers: Orphanet 42665, MedGen C0391816, MONDO:0007077, OMIM 103500.
Waardenburg syndrome type 2A (WS2A). Also called: WAARDENBURG SYNDROME WITHOUT DYSTOPIA CANTHORUM. Identifiers: Orphanet 3440, MedGen C1860339, MONDO:0008671, OMIM 193510.

gnomAD v4.1: 7 of 1,613,508 alleles (0.00043%); highest among the groups gnomAD compares: African/African-American, 0.0053%; no homozygotes.

Submissions (2):

Labcorp Genetics (formerly Invitae), Labcorp
Classification: Uncertain significance for Melanoma, cutaneous malignant, susceptibility to, 8; Waardenburg syndrome type 2A; Tietz syndrome. Last evaluated: 2025-11-18. Review status: criteria provided, single submitter. Criteria: Invitae Variant Classification Sherloc (09022015). Collection method: clinical testing. Allele origin: germline.
Comment: This sequence change replaces glycine, which is neutral and non-polar, with serine, which is neutral and polar, at codon 162 of the MITF protein (p.Gly162Ser). This variant is present in population databases (no rsID available, gnomAD 0.01%). This variant has not been reported in the literature in individuals affected with MITF-related conditions. ClinVar contains an entry for this variant (Variation ID: 3762550). Invitae Evidence Modeling of protein sequence and biophysical properties (such as structural, functional, and spatial information, amino acid conservation, physicochemical variation, residue mobility, and thermodynamic stability) indicates that this missense variant is not expected to disrupt MITF protein function with a negative predictive value of 80%. In summary, the available evidence is currently insufficient to determine the role of this variant in disease. Therefore, it has been classified as a Variant of Uncertain Significance.

Ambry Genetics
Classification: Uncertain significance for Hereditary cancer-predisposing syndrome. Last evaluated: 2025-01-17. Review status: criteria provided, single submitter. Criteria: Ambry Variant Classification Scheme 2023. Collection method: clinical testing. Allele origin: germline.
Comment: The p.G162S variant (also known as c.484G>A), located in coding exon 5 of the MITF gene, results from a G to A substitution at nucleotide position 484. The glycine at codon 162 is replaced by serine, an amino acid with similar properties. This amino acid position is conserved. In addition, this alteration is predicted to be tolerated by in silico analysis. Based on the available evidence, the clinical significance of this variant remains unclear.

NM_001354604.2(MITF):c.805G>A (p.Gly269Ser)

Gene: MITF (melanocyte inducing transcription factor; plus strand). Cytogenetic location: 3p13.
Variant type: single nucleotide variant.
Coding change: c.805G>A on transcript NM_001354604.2 (MANE Select); coding-DNA position 805, G replaced by A.
Protein change: p.Gly269Ser; replaces glycine 269 with serine.
Molecular consequence: missense variant.
Genome position (GRCh38, 1-based): chr3:69,949,093, G>A. VCF-style: chr3-69949093-G-A. GRCh37 (hg19) VCF-style: chr3-69998244-G-A.
Other names: c.484G>A, p.Gly162Ser (NM_000248.4, NM_198158.3); c.649G>A, p.Gly217Ser (NM_001184967.2, NM_001354608.2); c.802G>A, p.Gly268Ser (NM_001354605.2, NM_001354606.2, NM_006722.3); c.754G>A, p.Gly252Ser (NM_001354607.2); c.805G>A, p.Gly269Ser (NM_198159.3); c.757G>A, p.Gly253Ser (NM_198177.3); c.316G>A, p.Gly106Ser (NM_198178.3); short protein forms G106S, G162S, G217S, G252S, G253S, G268S, G269S.
Identifiers: ClinVar variation 3762550 (VCV003762550.3).